The following is an entry in ClinVar:

ClinVar aggregate classification (germline): Pathogenic (1 of 4 stars; one submission).

Conditions:
X-linked lymphoproliferative disease due to XIAP deficiency. Also called: XIAP DEFICIENCY; XIAP-Related Lymphoproliferative Disease, X-Linked. Identifiers: Orphanet 2442, Orphanet 538934, MedGen C1845076, MONDO:0010385, OMIM 300635.

Submission:

Labcorp Genetics (formerly Invitae), Labcorp
Classification: Pathogenic for X-linked lymphoproliferative disease due to XIAP deficiency. Last evaluated: 2018-05-07. Review status: criteria provided, single submitter. Criteria: Invitae Variant Classification Sherloc (09022015). Collection method: clinical testing. Allele origin: germline.
Comment: For these reasons, this variant has been classified as Pathogenic. Loss-of-function variants in XIAP are known to be pathogenic (PMID: 17080092, 21119115, 25666262). This variant has not been reported in the literature in individuals with XIAP-related disease. This variant is not present in population databases (ExAC no frequency). This sequence change creates a premature translational stop signal (p.Gln199*) in the XIAP gene. It is expected to result in an absent or disrupted protein product.

Literature cited by the submitters: PubMed 17080092; PubMed 21119115; PubMed 25666262.

NM_001167.4(XIAP):c.595C>T (p.Gln199Ter)

Gene: XIAP (X-linked inhibitor of apoptosis; plus strand). Cytogenetic location: Xq25.
Variant type: single nucleotide variant.
Coding change: c.595C>T on transcript NM_001167.4 (MANE Select); coding-DNA position 595, C replaced by T.
Protein change: p.Gln199Ter; replaces glutamine 199 with a stop codon.
Molecular consequence: nonsense.
Genome position (GRCh38, 1-based): chrX:123,886,257, C>T. VCF-style: chrX-123886257-C-T. GRCh37 (hg19) VCF-style: chrX-123020107-C-T.
Other names: c.595C>T, p.Gln199Ter (NM_001204401.2, NM_001378590.1, NM_001378591.1 and 1 more transcripts); short protein forms Q199*.
Identifiers: ClinVar variation 978532 (VCV000978532.7), dbSNP rs2053350325, ClinGen allele CA414124024.